The following is an entry in ClinVar:

ClinVar aggregate classification (germline): Uncertain significance (1 of 4 stars; one submission).

Conditions:
Werner syndrome (WRN). Identifiers: Orphanet 902, MedGen C0043119, MONDO:0010196, OMIM 277700.

Submission:

Labcorp Genetics (formerly Invitae), Labcorp
Classification: Uncertain significance for Werner syndrome. Last evaluated: 2021-09-29. Review status: criteria provided, single submitter. Criteria: Invitae Variant Classification Sherloc (09022015). Collection method: clinical testing. Allele origin: germline.
Comment: In summary, the available evidence is currently insufficient to determine the role of this variant in disease. Therefore, it has been classified as a Variant of Uncertain Significance. Algorithms developed to predict the effect of missense changes on protein structure and function are either unavailable or do not agree on the potential impact of this missense change (SIFT: "Not Available"; PolyPhen-2: "Benign"; Align-GVGD: "Not Available"). ClinVar contains an entry for this variant (Variation ID: 842246). This variant has not been reported in the literature in individuals affected with WRN-related conditions. This variant is not present in population databases (ExAC no frequency). This sequence change replaces methionine with valine at codon 1171 of the WRN protein (p.Met1171Val). The methionine residue is weakly conserved and there is a small physicochemical difference between methionine and valine.

NM_000553.6(WRN):c.3511A>G (p.Met1171Val)

Gene: WRN (WRN RecQ like helicase; plus strand). Cytogenetic location: 8p12.
Variant type: single nucleotide variant.
Coding change: c.3511A>G on transcript NM_000553.6 (MANE Select); coding-DNA position 3511, A replaced by G.
Protein change: p.Met1171Val; replaces methionine 1171 with valine.
Molecular consequence: missense variant.
Genome position (GRCh38, 1-based): chr8:31,147,415, A>G. VCF-style: chr8-31147415-A-G. GRCh37 (hg19) VCF-style: chr8-31004931-A-G.
Other names: short protein forms M1171V.
Identifiers: ClinVar variation 842246 (VCV000842246.6), dbSNP rs1802902197, ClinGen allele CA370925839.